The following is an entry in ClinVar:

NM_000051.4(ATM):c.5319+18T>G

Gene: ATM (ATM serine/threonine kinase; plus strand). Cytogenetic location: 11q22.3.
Variant type: single nucleotide variant.
Coding change: c.5319+18T>G on transcript NM_000051.4 (MANE Select); 18 bases into the intron after coding-DNA position 5319, T replaced by G.
Molecular consequence: intron variant.
Genome position (GRCh38, 1-based): chr11:108,301,807, T>G. VCF-style: chr11-108301807-T-G. GRCh37 (hg19) VCF-style: chr11-108172534-T-G.
Other names: c.5319+18T>G (NM_001351834.2).
Identifiers: ClinVar variation 4699625 (VCV004699625.1).

ClinVar aggregate classification (germline): Uncertain significance (1 of 4 stars; one submission).

Conditions:
Ataxia-telangiectasia syndrome (AT). Also called: Cerebello-oculocutaneous telangiectasia; Immunodeficiency with ataxia telangiectasia; Ataxia-telangiectasia, complementation group E; Ataxia telangiectasia (A-T); LOUIS-BAR SYNDROME; Ataxia-telangiectasia, complementation group D. Identifiers: Orphanet 100, MedGen C0004135, MONDO:0008840, OMIM 208900.

Submission:

Labcorp Genetics (formerly Invitae), Labcorp
Classification: Uncertain significance for Ataxia-telangiectasia syndrome. Last evaluated: 2025-11-10. Review status: criteria provided, single submitter. Criteria: Invitae Variant Classification Sherloc (09022015). Collection method: clinical testing. Allele origin: germline.
Comment: This sequence change falls in intron 35 of the ATM gene. It does not directly change the encoded amino acid sequence of the ATM protein. This variant is not present in population databases (gnomAD no frequency). This variant has not been reported in the literature in individuals affected with ATM-related conditions. Algorithms developed to predict the effect of sequence changes on RNA splicing suggest that this variant may disrupt the consensus splice site. In summary, the available evidence is currently insufficient to determine the role of this variant in disease. Therefore, it has been classified as a Variant of Uncertain Significance.